The following is an entry in ClinVar:

NM_000218.3(KCNQ1):c.1394-9293C>T

Genes: KCNQ1 (potassium voltage-gated channel subfamily Q member 1; plus strand), KCNQ1OT1 (KCNQ1 opposite strand/antisense transcript 1; minus strand). Cytogenetic location: 11p15.5.
Variant type: single nucleotide variant.
Coding change: c.1394-9293C>T on transcript NM_000218.3 (MANE Select); 9293 bases into the intron before coding-DNA position 1394, C replaced by T.
Molecular consequence: intron variant. On other transcripts: non-coding transcript variant (1).
Genome position (GRCh38, 1-based): chr11:2,652,668, C>T. VCF-style: chr11-2652668-C-T. GRCh37 (hg19) VCF-style: chr11-2673898-C-T.
Other names: c.1124-9293C>T (NM_001406837.1); c.1298-9293C>T (NM_001406836.1); c.854-9293C>T (NM_001406838.1); c.1013-9293C>T (NM_181798.2).
Identifiers: ClinVar variation 2641437 (VCV002641437.24), dbSNP rs997085700, ClinGen allele CA216164220.
Genomic context (GRCh38, chr11:2,652,668, plus strand): 5'-GAAAATGTGTCTTGGGAGACCTAGACAGTGACTTCCTGCAGCATGGAGACCCGGGTGGGT[C>T]GATTTTAGTTGTGTGGGTGGCTGTGTTGCTCTCTTTCCGTTTCCTGGGCTCACTCACGCT-3'

ClinVar aggregate classification (germline): Likely benign (1 of 4 stars; one submission).

Allele frequency attached by ClinVar (database versions not stated): TOPMed 0.00011; gnomAD 0.00017; gnomAD exomes 0.00024.
gnomAD v4.1: 81 of 398,542 alleles (0.02%); highest among the groups gnomAD compares: Non-Finnish European, 0.033%; no homozygotes.

Submission:

CeGaT Center for Human Genetics Tuebingen
Classification: Likely benign. Last evaluated: 2022-06-01. Review status: criteria provided, single submitter. Criteria: CeGaT Center For Human Genetics Tuebingen Variant Classification Criteria Version 2. Collection method: clinical testing. Allele origin: germline. Affected: yes. Observed: 1 variant allele.
Comment: KCNQ1OT1: BP5, BS2